The following is an entry in ClinVar:

ClinVar aggregate classification (germline): Pathogenic (1 of 4 stars; one submission).

Conditions:
Hereditary cancer-predisposing syndrome. Also called: Hereditary Cancer Syndrome; Hereditary neoplastic syndrome; Neoplastic Syndromes, Hereditary; Tumor predisposition. Identifiers: Orphanet 140162, MedGen C0027672, MeSH D009386, MONDO:0015356.

Submission:

Ambry Genetics
Classification: Pathogenic for Hereditary cancer-predisposing syndrome. Last evaluated: 2022-06-24. Review status: criteria provided, single submitter. Criteria: Ambry Variant Classification Scheme 2023. Collection method: clinical testing. Allele origin: germline.
Comment: The c.6227_6231delTTAAG pathogenic mutation, located in coding exon 10 of the BRCA2 gene, results from a deletion of 5 nucleotides at nucleotide positions 6227 to 6231, causing a translational frameshift with a predicted alternate stop codon (p.V2076Gfs*7). This alteration is expected to result in loss of function by premature protein truncation or nonsense-mediated mRNA decay. As such, this alteration is interpreted as a disease-causing mutation.

NM_000059.4(BRCA2):c.6227_6231del (p.Val2076fs)

Gene: BRCA2 (BRCA2 DNA repair associated; plus strand). Cytogenetic location: 13q13.1.
Variant type: Deletion.
Coding change: c.6227_6231del on transcript NM_000059.4 (MANE Select); coding-DNA positions 6227 to 6231, 5 bases deleted (TTAAG; older notation c.6227_6231delTTAAG).
Protein change: p.Val2076fs; shifts the reading frame from valine 2076.
Molecular consequence: frameshift variant.
Genome position (GRCh38, 1-based): chr13:32,340,582-32,340,586, TTAAG deleted; deleting any 5 consecutive bases within chr13:32,340,579-32,340,586 gives the same sequence; the c. name uses the placement nearest the transcript's 3' end. VCF-style (leftmost placement, unchanged base first): chr13-32340578-AAAGTT-A. GRCh37 (hg19) VCF-style: chr13-32914715-AAAGTT-A.
Other names: c.6227_6231delTTAAG, p.Val2076Glyfs (NM_001406719.1, NM_001406720.1); short protein forms V2076fs.
Identifiers: ClinVar variation 1752312 (VCV001752312.2), dbSNP rs2548532835, ClinGen allele CA2580087864.